The following is an entry in ClinVar:

NM_001374828.1(ARID1B):c.1609C>T (p.Gln537Ter)

Gene: ARID1B (AT-rich interaction domain 1B; plus strand). Cytogenetic location: 6q25.3.
Variant type: single nucleotide variant.
Coding change: c.1609C>T on transcript NM_001374828.1 (MANE Select); coding-DNA position 1609, C replaced by T.
Protein change: p.Gln537Ter; replaces glutamine 537 with a stop codon.
Molecular consequence: nonsense.
Genome position (GRCh38, 1-based): chr6:156,779,289, C>T. VCF-style: chr6-156779289-C-T. GRCh37 (hg19) VCF-style: chr6-157100423-C-T.
Other names: c.1360C>T, p.Gln454Ter (NM_020732.3); c.1609C>T, p.Gln537Ter (NM_001371656.1, NM_001374820.1, NM_017519.3); short protein forms Q454*, Q537*.
Identifiers: ClinVar variation 373098 (VCV000373098.5), dbSNP rs1057518213, ClinGen allele CA16042541.

ClinVar aggregate classification (germline): Pathogenic. Review status: criteria provided, multiple submitters, no conflicts (2 of 4 stars). 3 submissions from 3 submitters: Pathogenic (3). Last evaluated 2025-11-10.

Conditions:
Coffin-Siris syndrome 1 (CSS1). Also called: ARID1B-Related Coffin-Siris Syndrome; Mental retardation, autosomal dominant 12. Identifiers: Orphanet 1465, MedGen C3281201, MONDO:0007617, OMIM 135900. Disease mechanism: gain of function.

Submissions (3):

3billion
Classification: Pathogenic for Coffin-Siris syndrome 1. Last evaluated: 2025-11-10. Review status: criteria provided, single submitter. Criteria: ACMG Guidelines, 2015. Collection method: clinical testing. Allele origin: germline. Affected: yes.
Comment: The variant is not observed in the gnomAD v4.1.0 dataset. Predicted Consequence/Location: Stop-gained (nonsense): predicted to result in a loss or disruption of normal protein function through nonsense-mediated decay (NMD) or protein truncation. Multiple pathogenic variants are reported downstream of the variant. The variant has been reported to be associated with ARID1B-related disorder (ClinVar ID: VCV000373098). Therefore, this variant is classified as Pathogenic according to the recommendation of ACMG/AMP guideline.

Dasa
Classification: Pathogenic. Last evaluated: 2025-08-09. Review status: criteria provided, single submitter. Criteria: DASA Assertion Criteria. Collection method: clinical testing. Allele origin: germline.
Comment: NM_001374828.1(ARID1B):c.1609C>T (p.Gln537*) introduces a premature termination codon predicted to result in loss of normal protein function. Loss-of-function is an established mechanism of disease for this gene. This variant has been reported in individuals with related phenotype (PMID: 37500730). The variant is present at low frequency in population datasets. Based on the available data, this variant is classified as pathogenic.

GeneDx
Classification: Pathogenic. Last evaluated: 2025-01-30. Review status: criteria provided, single submitter. Criteria: GeneDx Variant Classification Process June 2021. Collection method: clinical testing. Allele origin: germline. Affected: yes.
Comment: Nonsense variant predicted to result in protein truncation or nonsense mediated decay in a gene for which loss of function is a known mechanism of disease; Not observed at significant frequency in large population cohorts (gnomAD); This variant is associated with the following publications: (PMID: 33057194, 37500730, 35982159)

Literature cited by the submitters: PubMed 37500730 (cited by Dasa).